The following is an entry in ClinVar:

NM_147686.4(TRAF3IP2):c.1328T>C (p.Ile443Thr)

Genes: TRAF3IP2 (TRAF3 interacting protein 2; minus strand), TRAF3IP2-AS1 (TRAF3IP2 antisense RNA 1; plus strand). Cytogenetic location: 6q21.
Variant type: single nucleotide variant.
Coding change: c.1328T>C on transcript NM_147686.4 (MANE Select); coding-DNA position 1328, T replaced by C.
Protein change: p.Ile443Thr; replaces isoleucine 443 with threonine.
Molecular consequence: missense variant.
Genome position (GRCh38, 1-based): chr6:111,567,655, A>G on the plus strand (T>C on the coding strand, the complement: TRAF3IP2 is on the minus strand). VCF-style: chr6-111567655-A-G. GRCh37 (hg19) VCF-style: chr6-111888858-A-G.
Other names: c.1328T>C, p.Ile443Thr (NM_001164281.3); c.1355T>C, p.Ile452Thr (NM_147200.3); short protein forms I452T, I443T.
Identifiers: ClinVar variation 863238 (VCV000863238.9), dbSNP rs1197932494, ClinGen allele CA365361558.

ClinVar aggregate classification (germline): Uncertain significance (1 of 4 stars; one submission).

Conditions:
Candidiasis, familial, 8 (CANDF8). Identifiers: Orphanet 1334, MedGen C3714992, MONDO:0014230, OMIM 615527.

Allele frequency attached by ClinVar (database versions not stated): TOPMed below 0.00001; gnomAD 0.00001; gnomAD exomes below 0.00001.
gnomAD v4.1: 3 of 1,610,180 alleles (0.00019%); highest among the groups gnomAD compares: African/African-American, 0.0027%; no homozygotes.

Submission:

Labcorp Genetics (formerly Invitae), Labcorp
Classification: Uncertain significance for Candidiasis, familial, 8. Last evaluated: 2024-04-29. Review status: criteria provided, single submitter. Criteria: Invitae Variant Classification Sherloc (09022015). Collection method: clinical testing. Allele origin: germline.
Comment: This sequence change replaces isoleucine, which is neutral and non-polar, with threonine, which is neutral and polar, at codon 443 of the TRAF3IP2 protein (p.Ile443Thr). This variant is present in population databases (no rsID available, gnomAD 0.004%). This variant has not been reported in the literature in individuals affected with TRAF3IP2-related conditions. ClinVar contains an entry for this variant (Variation ID: 863238). Advanced modeling of protein sequence and biophysical properties (such as structural, functional, and spatial information, amino acid conservation, physicochemical variation, residue mobility, and thermodynamic stability) performed at Invitae indicates that this missense variant is not expected to disrupt TRAF3IP2 protein function with a negative predictive value of 80%. In summary, the available evidence is currently insufficient to determine the role of this variant in disease. Therefore, it has been classified as a Variant of Uncertain Significance.